The following is an entry in ClinVar:

ClinVar aggregate classification (germline): Likely pathogenic (1 of 4 stars; one submission).

Conditions:
Multiple acyl-CoA dehydrogenase deficiency (MADD). Also called: ETHYLMALONIC-ADIPICACIDURIA; GA II; Glutaric aciduria, type 2; Glutaric acidemia type II; GA 2; Glutaric Acidemia type 2. Identifiers: Orphanet 26791, MedGen C0268596, MONDO:0009282, OMIM 231680.

Allele frequency attached by ClinVar (database versions not stated): ExAC 0.00001.
gnomAD v4.1: 1 of 1,613,160 alleles (0.000062%); highest among the groups gnomAD compares: East Asian, 0.0022%; no homozygotes.

Submission:

Labcorp Genetics (formerly Invitae), Labcorp
Classification: Likely pathogenic for Multiple acyl-CoA dehydrogenase deficiency. Last evaluated: 2024-01-27. Review status: criteria provided, single submitter. Criteria: Invitae Variant Classification Sherloc (09022015). Collection method: clinical testing. Allele origin: germline.
Comment: This sequence change replaces threonine, which is neutral and polar, with isoleucine, which is neutral and non-polar, at codon 242 of the ETFDH protein (p.Thr242Ile). This variant is present in population databases (rs777646291, gnomAD 0.006%). This missense change has been observed in individual(s) with multiple acyl-CoA dehydrogenase deficiency (PMID: 35314173). In at least one individual the data is consistent with being in trans (on the opposite chromosome) from a pathogenic variant. Advanced modeling of protein sequence and biophysical properties (such as structural, functional, and spatial information, amino acid conservation, physicochemical variation, residue mobility, and thermodynamic stability) has been performed at Invitae for this missense variant, however the output from this modeling did not meet the statistical confidence thresholds required to predict the impact of this variant on ETFDH protein function. Experimental studies have shown that this missense change affects ETFDH function (PMID: 35314173). In summary, the currently available evidence indicates that the variant is pathogenic, but additional data are needed to prove that conclusively. Therefore, this variant has been classified as Likely Pathogenic.

Literature cited by the submitters: PubMed 35314173.

NM_004453.4(ETFDH):c.725C>T (p.Thr242Ile)

Gene: ETFDH (electron transfer flavoprotein dehydrogenase; plus strand). Cytogenetic location: 4q32.1.
Variant type: single nucleotide variant.
Coding change: c.725C>T on transcript NM_004453.4 (MANE Select); coding-DNA position 725, C replaced by T.
Protein change: p.Thr242Ile; replaces threonine 242 with isoleucine.
Molecular consequence: missense variant.
Genome position (GRCh38, 1-based): chr4:158,695,537, C>T. VCF-style: chr4-158695537-C-T. GRCh37 (hg19) VCF-style: chr4-159616689-C-T.
Other names: c.584C>T, p.Thr195Ile (NM_001281737.2); c.542C>T, p.Thr181Ile (NM_001281738.1); short protein forms T181I, T242I, T195I.
Identifiers: ClinVar variation 2790200 (VCV002790200.3), dbSNP rs777646291, ClinGen allele CA3122443.